The following is an entry in ClinVar:

NM_004329.3(BMPR1A):c.*9_*13delinsACATT

Gene: BMPR1A (bone morphogenetic protein receptor type 1A; plus strand). Cytogenetic location: 10q23.2.
Variant type: Indel.
Coding change: c.*9_*13delinsACATT on transcript NM_004329.3 (MANE Select); 9 bases downstream of the stop codon through 13 bases downstream of the stop codon, CCATC replaced by ACATT.
Molecular consequence: 3 prime UTR variant. On other transcripts: non-coding transcript variant (3).
Genome position (GRCh38, 1-based): chr10:86,923,728-86,923,732, CCATC replaced by ACATT. VCF-style: chr10-86923728-CCATC-ACATT. GRCh37 (hg19) VCF-style: chr10-88683485-CCATC-ACATT.
Other names: c.*9_*13delinsACATT (NM_001406559.1, NM_001406560.1, NM_001406561.1 and 28 more transcripts).
Identifiers: ClinVar variation 3379122 (VCV003379122.1).

ClinVar aggregate classification (germline): Benign (1 of 4 stars; one submission).

Conditions:
Juvenile polyposis syndrome (JPS). Identifiers: Orphanet 2929, MedGen C0345893, MONDO:0017380, OMIM 174900.

Submission:

Myriad Genetics, Inc.
Classification: Benign for Juvenile polyposis syndrome. Last evaluated: 2024-09-25. Review status: criteria provided, single submitter. Criteria: Myriad Autosomal Dominant, Autosomal Recessive and X-Linked Classification Criteria (2023). Collection method: clinical testing. Allele origin: unknown.
Comment: This variant is considered benign. This variant occurs in the non-coding 3' untranslated region of the gene, and is not expected to impact protein function.